The following is an entry in ClinVar:

NM_020631.6(PLEKHG5):c.572G>A (p.Arg191Gln)

Gene: PLEKHG5 (pleckstrin homology and RhoGEF domain containing G5; minus strand). Cytogenetic location: 1p36.31.
Variant type: single nucleotide variant.
Coding change: c.572G>A on transcript NM_020631.6 (MANE Select); coding-DNA position 572, G replaced by A.
Protein change: p.Arg191Gln; replaces arginine 191 with glutamine.
Molecular consequence: missense variant.
Genome position (GRCh38, 1-based): chr1:6,474,032, C>T on the plus strand (G>A on the coding strand, the complement: PLEKHG5 is on the minus strand). VCF-style: chr1-6474032-C-T. GRCh37 (hg19) VCF-style: chr1-6534092-C-T.
Other names: c.683G>A, p.Arg228Gln (NM_001042663.3, NM_001265592.2); c.572G>A, p.Arg191Gln (NM_001042664.2, NM_001042665.2, NM_001265594.3 and 1 more transcripts); c.779G>A, p.Arg260Gln (NM_001265593.2); short protein forms R191Q, R260Q, R228Q.
Identifiers: ClinVar variation 468917 (VCV000468917.7), dbSNP rs541234129, ClinGen allele CA561802.

ClinVar aggregate classification (germline): Uncertain significance. Review status: criteria provided, multiple submitters, no conflicts (2 of 4 stars). 2 submissions from 2 submitters: Uncertain significance (2). Last evaluated 2025-08-01.

Conditions:
Charcot-Marie-Tooth disease recessive intermediate C. Also called: CHARCOT-MARIE-TOOTH NEUROPATHY, RECESSIVE INTERMEDIATE C. Identifiers: Orphanet 369867, MedGen C3809309, MONDO:0014154, OMIM 615376.
Neuronopathy, distal hereditary motor, autosomal recessive 4. Also called: Autosomal recessive lower motor neuron disease with childhood onset; NEUROPATHY, DISTAL HEREDITARY MOTOR, AUTOSOMAL RECESSIVE 4. Identifiers: Orphanet 206580, MedGen C1970211, MONDO:0012608, OMIM 611067.
Inborn genetic diseases. Identifiers: MedGen C0950123, MeSH D030342.

Allele frequency attached by ClinVar (database versions not stated): TOPMed 0.00003; 1000 Genomes Project 30x 0.00016; 1000 Genomes Project 0.00020.
gnomAD v4.1: 87 of 1,607,214 alleles (0.0054%); highest among the groups gnomAD compares: South Asian, 0.072%; no homozygotes.

Submissions (2):

Ambry Genetics
Classification: Uncertain significance for Inborn genetic diseases. Last evaluated: 2025-08-01. Review status: criteria provided, single submitter. Criteria: Ambry Variant Classification Scheme 2023. Collection method: clinical testing. Allele origin: germline.

Labcorp Genetics (formerly Invitae), Labcorp
Classification: Uncertain significance for Neuronopathy, distal hereditary motor, autosomal recessive 4; Charcot-Marie-Tooth disease recessive intermediate C. Last evaluated: 2021-09-01. Review status: criteria provided, single submitter. Criteria: Invitae Variant Classification Sherloc (09022015). Collection method: clinical testing. Allele origin: germline.
Comment: This sequence change replaces arginine with glutamine at codon 191 of the PLEKHG5 protein (p.Arg191Gln). The arginine residue is moderately conserved and there is a small physicochemical difference between arginine and glutamine. This variant is present in population databases (rs541234129, ExAC 0.2%). This variant has not been reported in the literature in individuals affected with PLEKHG5-related conditions. Algorithms developed to predict the effect of missense changes on protein structure and function (SIFT, PolyPhen-2, Align-GVGD) all suggest that this variant is likely to be tolerated. In summary, the available evidence is currently insufficient to determine the role of this variant in disease. Therefore, it has been classified as a Variant of Uncertain Significance.